The following is an entry in ClinVar:

ClinVar aggregate classification (germline): Likely benign. Review status: reviewed by expert panel (3 of 4 stars). 13 submissions from 13 submitters: Likely benign (1). 12 of the submissions do not count toward it. Last evaluated 2026-09-21.

Conditions:
BRCA1-related cancer predisposition. Identifiers: MedGen CN377757, MONDO:0700268.
Hereditary cancer-predisposing syndrome. Also called: Hereditary Cancer Syndrome; Tumor predisposition; Hereditary neoplastic syndrome; Neoplastic Syndromes, Hereditary. Identifiers: Orphanet 140162, MedGen C0027672, MeSH D009386, MONDO:0015356.
Hereditary breast ovarian cancer syndrome. Also called: Breast and ovarian cancer; Hereditary breast and ovarian cancer syndrome; BRCA1- and BRCA2-Associated Hereditary Breast and Ovarian Cancer; Hereditary breast and ovarian cancer syndrome (HBOC); Hereditary breast and/or ovarian cancer syndrome; Hereditary breast and ovarian cancer. Identifiers: Orphanet 145, MedGen C0677776, MeSH D061325, MONDO:0003582. Disease mechanism: loss of function.
Breast-ovarian cancer, familial, susceptibility to, 1 (BROVCA1). Also called: OVARIAN CANCER, SUSCEPTIBILITY TO; BRCA1 Hereditary Breast and Ovarian Cancer. Identifiers: Orphanet 145, MedGen C2676676, MONDO:0011450, OMIM 604370. Disease mechanism: loss of function.

Allele frequency attached by ClinVar (database versions not stated): gnomAD exomes 0.00001; TOPMed below 0.00001; ExAC 0.00002; gnomAD 0.00002.
gnomAD v4.1: 22 of 1,612,048 alleles (0.0014%); highest among the groups gnomAD compares: Non-Finnish European, 0.0019%; no homozygotes.

Submissions 1 to 4 of 13:

ClinGen ENIGMA BRCA1 and BRCA2 Variant Curation Expert Panel, ClinGen
Classification: Likely benign for BRCA1-related cancer predisposition. Last evaluated: 2026-09-21. Review status: reviewed by expert panel. Criteria: CSpec BRCA1/2ACMG Rules Specifications V1.2. Collection method: curation. Allele origin: germline. Inheritance: Autosomal dominant inheritance.
Comment: The c.441G>C variant in BRCA1 is a missense variant predicted to cause substitution of Leucine by Phenylalanine at amino acid 147 (p.(Leu147Phe)). Legacy exon numbering is shown in parentheses. The Total GrpMax filtering allele frequency (the lower threshold of the 95% CI) in gnomAD v4.1 is 0.00001221 in the Non-Finnish European genetic ancestry group (based on 22/1179212) which is below the ENIGMA BRCA1/2 VCEP threshold (>0.00002) for BS1_Supporting and does not meet any population code (BA1, BS1, BS1_Supporting, PM2_Supporting are not met). This BRCA1 missense variant has a SpliceAI score of 0.35, predicting an impact on splicing (score threshold >0.20) (PP3 met). This variant is reported to result in aberrant mRNA splicing. RT-PCR demonstrated that the variant impacts splicing by retention of intron 6(7) (PMID: 30832263) while a different RT-PCR showed no aberration (PMID: 31143303, Ambry internal data). The VCEP decided to currently not apply BP7_Strong (RNA) or PVS1 (RNA) at any strength, due to the discrepancy between the assays. Reported by one calibrated study to exhibit protein function similar to benign control variants (PMID:32546644), however the VCEP decided to not apply BS3 due to this assay being unable to measure impact on splicing and PMID: 30832263 demonstrating a splicing impact (BS3 not met). Multifactorial likelihood ratio analysis using clinically calibrated data produced a combined LR for this variant of 0.049 (based on Family History LR=0.79; Case-Control LR=0.062), within the thresholds for strong benign evidence (LR >0.00285 & ≤0.05) (BP5_Strong met; PMIDs: 31853058, 40413188). This variant has been observed in one individual with features considered inconsistent with an FA-associated phenotype, and a pathogenic variant seen in trans (BRCA1:c.5277+1G>A) (points equated to 2, BS2_Moderate met; Internal lab contributors). In summary, this variant meets the criteria to be classified as a Likely benign variant for BRCA1-related cancer predisposition based on the ACMG/AMP criteria applied as specified by the ENIGMA BRCA1/2 VCEP (PP3, BS2_Moderate, BP5_Strong).

Myriad Genetics, Inc.
Classification: Likely benign for Breast-ovarian cancer, familial, susceptibility to, 1. Last evaluated: 2026-07-15. Review status: criteria provided, single submitter. Criteria: Myriad Autosomal Dominant, Autosomal Recessive and X-Linked Classification Criteria (2023). Collection method: clinical testing. Allele origin: unknown. Not counted in ClinVar's aggregate classification.
Comment: This variant is considered likely benign. This variant is strongly associated with less severe personal and family histories of cancer, typical for individuals without pathogenic variants in this gene [PMID: 25085752].

Labcorp Genetics (formerly Invitae), Labcorp
Classification: Uncertain significance for Hereditary breast ovarian cancer syndrome. Last evaluated: 2026-01-28. Review status: criteria provided, single submitter. Criteria: Invitae Variant Classification Sherloc (09022015). Collection method: clinical testing. Allele origin: germline. Not counted in ClinVar's aggregate classification.
Comment: This sequence change replaces leucine, which is neutral and non-polar, with phenylalanine, which is neutral and non-polar, at codon 147 of the BRCA1 protein (p.Leu147Phe). This variant also falls at the last nucleotide of exon 6, which is part of the consensus splice site for this exon. This variant is present in population databases (rs748876625, gnomAD 0.004%). This missense change has been observed to co-occur in individuals with a different variant in BRCA1 that has been determined to be pathogenic (PMID: 21520333), but the significance of this finding is unclear. ClinVar contains an entry for this variant (Variation ID: 220023). An algorithm developed to predict the effect of missense changes on protein structure and function (PolyPhen-2) suggests that this variant is likely to be tolerated. Experimental studies are conflicting or provide insufficient evidence to determine the effect of this variant on BRCA1 function (PMID: 23867111, 25823446, 32546644). Variants that disrupt the consensus splice site are a relatively common cause of aberrant splicing (PMID: 17576681, 9536098). Studies have shown that this missense change is associated with inconclusive levels of altered splicing (internal data). In summary, the available evidence is currently insufficient to determine the role of this variant in disease. Therefore, it has been classified as a Variant of Uncertain Significance.

CeGaT Center for Human Genetics Tuebingen
Classification: Likely benign. Last evaluated: 2025-01-01. Review status: criteria provided, single submitter. Criteria: CeGaT Center For Human Genetics Tuebingen Variant Classification Criteria Version 2. Collection method: clinical testing. Allele origin: germline. Affected: yes. Observed: 1 variant allele. Not counted in ClinVar's aggregate classification.
Comment: BRCA1: BP1, BP4, BS3:Supporting

NM_007294.4(BRCA1):c.441G>C (p.Leu147Phe)

Gene: BRCA1 (BRCA1 DNA repair associated; minus strand). Cytogenetic location: 17q21.31.
Variant type: single nucleotide variant.
Coding change: c.441G>C on transcript NM_007294.4 (MANE Select); coding-DNA position 441, G replaced by C.
Protein change: p.Leu147Phe; replaces leucine 147 with phenylalanine.
Molecular consequence: missense variant. On other transcripts: non-coding transcript variant (1).
Genome position (GRCh38, 1-based): chr17:43,104,122, C>G on the plus strand (G>C on the coding strand, the complement: BRCA1 is on the minus strand). VCF-style: chr17-43104122-C-G. GRCh37 (hg19) VCF-style: chr17-41256139-C-G.
Other names: NM_007294.4(BRCA1):c.441G>C; c.60G>C, p.Leu20Phe (NM_001408512.1, NM_001408510.1, NM_001407959.1 and 4 more transcripts); c.231G>C, p.Leu77Phe (NM_001408513.1, NM_001408514.1, NM_001408478.1 and 58 more transcripts); c.300G>C, p.Leu100Phe (NM_001408464.1, NM_001408465.1, NM_001408466.1 and 99 more transcripts); c.441G>C, p.Leu147Phe (NM_007298.4, NM_007299.4, NM_007300.4 and 165 more transcripts); c.363G>C, p.Leu121Phe (NM_001408474.1, NM_001408475.1, NM_001408476.1 and 21 more transcripts); c.432G>C, p.Leu144Phe (NM_001407646.1, NM_001407647.1, NM_001408408.1); c.309G>C, p.Leu103Phe (NM_001408451.1); short protein forms L147F, L100F, L144F, L20F, L103F, L121F, L77F.
Identifiers: ClinVar variation 220023 (VCV000220023.45), dbSNP rs748876625, ClinGen allele CA056114.
Genomic context (GRCh38, chr17:43,104,122, plus strand): 5'-AAAAAAAAGAAAAAAAAAAGAAAAGAAGAAGAAGAAGAAGAAGAAAACAAATGGTTTTAC[C>G]AAGGAAGGATTTTCGGGTTCACTCTGTAGAAGTCTTTTGGCACGGTTTCTGTAGCCCATA-3'
Protein context (NP_009225.1, residues 137-157): LLQSEPENPS[Leu147Phe]QETSLSVQLS